The following is an entry in ClinVar:

NM_000484.4(APP):c.283C>G (p.Gln95Glu)

Gene: APP (amyloid beta precursor protein; minus strand). Cytogenetic location: 21q21.3.
Variant type: single nucleotide variant.
Coding change: c.283C>G on transcript NM_000484.4 (MANE Select); coding-DNA position 283, C replaced by G.
Protein change: p.Gln95Glu; replaces glutamine 95 with glutamic acid.
Molecular consequence: missense variant.
Genome position (GRCh38, 1-based): chr21:26,090,015, G>C on the plus strand (C>G on the coding strand, the complement: APP is on the minus strand). VCF-style: chr21-26090015-G-C. GRCh37 (hg19) VCF-style: chr21-27462331-G-C.
Other names: c.268C>G, p.Gln90Glu (NM_001136016.3); c.115C>G, p.Gln39Glu (NM_001136129.3, NM_001136130.3); c.178C>G, p.Gln60Glu (NM_001136131.3); c.283C>G, p.Gln95Glu (NM_001204301.2, NM_001204302.2, NM_001204303.2 and 3 more transcripts); short protein forms Q95E, Q39E, Q60E, Q90E.
Identifiers: ClinVar variation 446856 (VCV000446856.7), dbSNP rs950592627, ClinGen allele CA319562680.
Genomic context (GRCh38, chr21:26,090,015, plus strand): 5'-AGGGAATCACAAAGTGGGGATGGGTCTTGCACTGCTTGCGGCCCCGCTTGCACCAGTTCT[G>C]GATGGTCACTGGTTGGTTGGCTTCTACCACATTGGTGATCTGCAGTTCAGGGTAGACCTG-3'
Protein context (NP_000475.1, residues 85-105): VVEANQPVTI[Gln95Glu]NWCKRGRKQC

ClinVar aggregate classification (germline): Uncertain significance. Review status: criteria provided, multiple submitters, no conflicts (2 of 4 stars). 2 submissions from 2 submitters: Uncertain significance (2). Last evaluated 2022-07-19.

Conditions:
Alzheimer disease. Also called: Presenile and senile dementia; Alzheimer's disease. Identifiers: Orphanet 1020, MedGen C0002395, MeSH D000544, MONDO:0004975, HP:0002511.

Allele frequency attached by ClinVar (database versions not stated): gnomAD exomes below 0.00001; gnomAD 0.00001; TOPMed 0.00002.
gnomAD v4.1: 3 of 1,614,082 alleles (0.00019%); highest among the groups gnomAD compares: African/African-American, 0.0027%; no homozygotes.

Submissions (2):

Labcorp Genetics (formerly Invitae), Labcorp
Classification: Uncertain significance for Alzheimer disease. Last evaluated: 2022-07-19. Review status: criteria provided, single submitter. Criteria: Invitae Variant Classification Sherloc (09022015). Collection method: clinical testing. Allele origin: germline.
Comment: This variant is not present in population databases (gnomAD no frequency). This sequence change replaces glutamine, which is neutral and polar, with glutamic acid, which is acidic and polar, at codon 95 of the APP protein (p.Gln95Glu). This variant has not been reported in the literature in individuals affected with APP-related conditions. In summary, the available evidence is currently insufficient to determine the role of this variant in disease. Therefore, it has been classified as a Variant of Uncertain Significance. Algorithms developed to predict the effect of missense changes on protein structure and function are either unavailable or do not agree on the potential impact of this missense change (SIFT: "Deleterious"; PolyPhen-2: "Not Available"; Align-GVGD: "Class C25"). ClinVar contains an entry for this variant (Variation ID: 446856).

Athena Diagnostics
Classification: Uncertain significance. Last evaluated: 2016-11-15. Review status: criteria provided, single submitter. Criteria: Athena Diagnostics Criteria. Collection method: clinical testing. Allele origin: germline.